The following is an entry in ClinVar:

NM_000552.5(VWF):c.4249G>T (p.Gly1417Trp)

Gene: VWF (von Willebrand factor; minus strand). Cytogenetic location: 12p13.31.
Variant type: single nucleotide variant.
Coding change: c.4249G>T on transcript NM_000552.5 (MANE Select); coding-DNA position 4249, G replaced by T.
Protein change: p.Gly1417Trp; replaces glycine 1417 with tryptophan.
Molecular consequence: missense variant.
Genome position (GRCh38, 1-based): chr12:6,019,169, C>A on the plus strand (G>T on the coding strand, the complement: VWF is on the minus strand). VCF-style: chr12-6019169-C-A. GRCh37 (hg19) VCF-style: chr12-6128335-C-A.
Other names: short protein forms G1417W.
Identifiers: ClinVar variation 1698737 (VCV001698737.2), dbSNP rs2136412846, ClinGen allele CA383503523.
Genomic context (GRCh38, chr12:6,019,169, plus strand): 5'-CCTTGTTCTCAGGGGCCTGCTTCTCGATGAGGCGGATCTGCTTGAGGTTGGCATGGGGCC[C>A]AATGCCCACCGGGATCACAATGACCTTCTTCTTCTTCAGGCCCTGGACGTAGCGGACAAA-3'
Protein context (NP_000543.3, residues 1407-1427): KKVIVIPVGI[Gly1417Trp]PHANLKQIRL

ClinVar aggregate classification (germline): Likely pathogenic (1 of 4 stars; one submission).

Conditions:
von Willebrand disease type 2 (VWD2). Also called: VON WILLEBRAND DISEASE, TYPE 2A/IIE; VON WILLEBRAND DISEASE, TYPE 2CB; VON WILLEBRAND DISEASE, TYPE II; VWD, TYPE 2. Identifiers: Orphanet 166081, Orphanet 903, MedGen C1264040, MONDO:0013304, OMIM 613554.

Allele frequency attached by ClinVar (database versions not stated): gnomAD exomes below 0.00001.
gnomAD v4.1: 1 of 1,613,964 alleles (0.000062%); highest among the groups gnomAD compares: Non-Finnish European, 0.000085%; no homozygotes.

Submission:

Genetics and Molecular Pathology, SA Pathology
Classification: Likely pathogenic for von Willebrand disease type 2. Last evaluated: 2020-02-07. Review status: criteria provided, single submitter. Criteria: ACMG Guidelines, 2015. Collection method: clinical testing. Allele origin: germline. Inheritance: Autosomal recessive inheritance. Affected: yes.
Comment: PM1, PM2, PP3, PP4